The following is an entry in ClinVar:

ClinVar aggregate classification (germline): Uncertain significance (1 of 4 stars; one submission).

Conditions:
Rubinstein-Taybi syndrome (RSTS). Identifiers: Orphanet 783, MedGen C0035934, MONDO:0019188.

Allele frequency attached by ClinVar (database versions not stated): gnomAD exomes below 0.00001; TOPMed below 0.00001; ESP Exome Variant Server 0.00008.
gnomAD v4.1: 1 of 1,608,036 alleles (0.000062%); highest among the groups gnomAD compares: Non-Finnish European, 0.000085%; no homozygotes.

Submission:

Labcorp Genetics (formerly Invitae), Labcorp
Classification: Uncertain significance for Rubinstein-Taybi syndrome. Last evaluated: 2023-01-31. Review status: criteria provided, single submitter. Criteria: Invitae Variant Classification Sherloc (09022015). Collection method: clinical testing. Allele origin: germline.
Comment: In summary, the available evidence is currently insufficient to determine the role of this variant in disease. Therefore, it has been classified as a Variant of Uncertain Significance. Algorithms developed to predict the effect of missense changes on protein structure and function are either unavailable or do not agree on the potential impact of this missense change (SIFT: "Deleterious"; PolyPhen-2: "Not Available"; Align-GVGD: "Class C15"). This variant has not been reported in the literature in individuals affected with CREBBP-related conditions. This variant is not present in population databases (gnomAD no frequency). This sequence change replaces tyrosine, which is neutral and polar, with phenylalanine, which is neutral and non-polar, at codon 1466 of the CREBBP protein (p.Tyr1466Phe).

NM_004380.3(CREBBP):c.4397A>T (p.Tyr1466Phe)

Gene: CREBBP (CREB binding lysine acetyltransferase; minus strand). Cytogenetic location: 16p13.3.
Variant type: single nucleotide variant.
Coding change: c.4397A>T on transcript NM_004380.3 (MANE Select); coding-DNA position 4397, A replaced by T.
Protein change: p.Tyr1466Phe; replaces tyrosine 1466 with phenylalanine.
Molecular consequence: missense variant.
Genome position (GRCh38, 1-based): chr16:3,736,813, T>A on the plus strand (A>T on the coding strand, the complement: CREBBP is on the minus strand). VCF-style: chr16-3736813-T-A. GRCh37 (hg19) VCF-style: chr16-3786814-T-A.
Other names: c.4283A>T, p.Tyr1428Phe (NM_001079846.1); short protein forms Y1466F, Y1428F.
Identifiers: ClinVar variation 2833280 (VCV002833280.3), dbSNP rs375004488, ClinGen allele CA276980156.
Genomic context (GRCh38, chr16:3,736,813, plus strand): 5'-CAATGGAAGATGTAATCATCTCCTTCACTTGGAGGACAGGCCCAGATGTGCCCTGTCACA[T>A]ACCTGCAGGACCCACGCACACACGTCAGATGAACGTGCCAGTGAAATCGGCCCTGCCTTT-3'
Protein context (NP_004371.2, residues 1456-1476): GYLEYVKKLG[Tyr1466Phe]VTGHIWACPP